The following is an entry in ClinVar:

ClinVar aggregate classification (germline): Pathogenic (1 of 4 stars; one submission).

Allele frequency attached by ClinVar (database versions not stated): gnomAD exomes below 0.00001.

Submission:

Labcorp Genetics (formerly Invitae), Labcorp
Classification: Pathogenic. Last evaluated: 2022-09-29. Review status: criteria provided, single submitter. Criteria: Invitae Variant Classification Sherloc (09022015). Collection method: clinical testing. Allele origin: germline.
Comment: For these reasons, this variant has been classified as Pathogenic. This variant has not been reported in the literature in individuals affected with PCNT-related conditions. This variant is present in population databases (no rsID available, gnomAD 0.0009%). This sequence change creates a premature translational stop signal (p.Glu390*) in the PCNT gene. It is expected to result in an absent or disrupted protein product. Loss-of-function variants in PCNT are known to be pathogenic (PMID: 18174396, 22821869).

Literature cited by the submitters: PubMed 18174396; PubMed 22821869.

NM_006031.6(PCNT):c.1168G>T (p.Glu390Ter)

Gene: PCNT (pericentrin; plus strand). Cytogenetic location: 21q22.3.
Variant type: single nucleotide variant.
Coding change: c.1168G>T on transcript NM_006031.6 (MANE Select); coding-DNA position 1168, G replaced by T.
Protein change: p.Glu390Ter; replaces glutamic acid 390 with a stop codon.
Molecular consequence: nonsense.
Genome position (GRCh38, 1-based): chr21:46,349,147, G>T. VCF-style: chr21-46349147-G-T. GRCh37 (hg19) VCF-style: chr21-47769061-G-T.
Other names: c.814G>T, p.Glu272Ter (NM_001315529.2); short protein forms E272*, E390*.
Identifiers: ClinVar variation 2016852 (VCV002016852.4), dbSNP rs1449722966, ClinGen allele CA410556058.
Genomic context (GRCh38, chr21:46,349,147, plus strand): 5'-CAATCAGAAATGGAGGATTTACAAAACCAGTTTCAGAAAGAATTGGCAGAACAGAGAGCT[G>T]AGTTGGAGAAGATTTTTCAAGACAAAAACCAGGCTGAACGTAAGTAATGAAAATGAGCAA-3'